The following continues an entry in ClinVar:

NM_000138.5(FBN1):c.3712G>A (p.Asp1238Asn)

Gene: FBN1. ClinVar aggregate classification (germline): Pathogenic. Pathogenic (1).

Submissions 8 to 17 of 17:

Ambry Genetics
Classification: Likely pathogenic for Familial thoracic aortic aneurysm and aortic dissection. Last evaluated: 2024-12-29. Review status: criteria provided, single submitter. Criteria: Ambry Variant Classification Scheme 2023. Collection method: clinical testing. Allele origin: germline. Not counted in ClinVar's aggregate classification.
Comment: The p.D1238N variant (also known as c.3712G>A), located in coding exon 29 of the FBN1 gene, results from a G to A substitution at nucleotide position 3712. The amino acid change results in aspartic acid to asparagine, an amino acid with highly similar properties at codon 1238. However, this change occurs in the last base pair of coding exon 29, which makes it likely to have some effect on normal mRNA splicing. This variant has been reported in numerous individuals with phenotypes consistent with a Marfan syndrome diagnosis, including segregating with disease in some families (Yuan B et al. Hum. Mutat., 1999;14:440-6; Renner S et al. Genet Med, 2019 08;21:1832-1841; Cope H et al. Mol Genet Genomic Med, 2020 10;8:e1397; external communication; Ambry internal data). This variant alters a conserved residue in the calcium-binding consensus sequence of a cbEGF domain and is expected to disrupt FBN1 function (Handford PA et al. Nature. 1991; 351(6322):164-7). This variant is considered to be rare based on population cohorts in the Genome Aggregation Database (gnomAD). This nucleotide position is highly conserved in available vertebrate species. This amino acid position is highly conserved in available vertebrate species. In silico splice site analysis predicts that this alteration will result in the creation or strengthening of a novel splice donor site. In addition, as a missense substitution this is predicted to be inconclusive by in silico analysis. Based on the majority of available evidence to date, this variant is likely to be pathogenic.

Blueprint Genetics
Classification: Likely pathogenic for FBN1-related disorders. Last evaluated: 2024-11-07. Review status: criteria provided, single submitter. Criteria: ACMG Guidelines, 2015. Collection method: clinical testing. Allele origin: germline. Affected: yes. Observed: 5 variant alleles. Not counted in ClinVar's aggregate classification.

Undiagnosed Diseases Network, NIH
Classification: Pathogenic for Marfan syndrome. Last evaluated: 2024-09-04. Review status: criteria provided, single submitter. Criteria: ACMG Guidelines, 2015. Collection method: clinical testing. Allele origin: paternal. Affected: yes. Observed: 1 heterozygote. Study: Undiagnosed Diseases Network (NIH), UDN. Not counted in ClinVar's aggregate classification.

Color Diagnostics, LLC DBA Color Health
Classification: Likely pathogenic for Familial thoracic aortic aneurysm and aortic dissection. Last evaluated: 2024-04-01. Review status: criteria provided, single submitter. Criteria: ACMG Guidelines, 2015. Collection method: clinical testing. Allele origin: germline. Not counted in ClinVar's aggregate classification.
Comment: This variant replaces aspartate with asparagine at codon 1238 in calcium-binding EGF-like motif 20 (a.a. 1238-1279) of the FBN1 protein. Computational prediction tools indicate that this variant has a deleterious impact on protein structure and function. This variant alters the last nucleotide of the exon, which is part of the 5' splice region. Splice prediction tools are inconclusive regarding the impact of this variant on RNA splicing, while an RNA study has shown that this variant does not change RNA splicing (PMID: 3212331). This variant has been reported in five individuals affected with Marfan syndrome (PMID: 10533071, 30675029, 32730690, 38190127; ClinVar SCV000948948.6) and in two individuals affected with aortic aneurysms and dissections (PMID: 29510914, Color internal data). It has also been observed in an asymptomatic individual (PMID: 34135346). This variant has not been identified in the general population by the Genome Aggregation Database (gnomAD). Based on the available evidence, this variant is classified as Likely Pathogenic.

CHEO Genetics Diagnostic Laboratory, Children's Hospital of Eastern Ontario
Classification: Likely pathogenic for Familial thoracic aortic aneurysm and aortic dissection. Last evaluated: 2020-04-08. Review status: criteria provided, single submitter. Criteria: ACMG Guidelines, 2015. Collection method: clinical testing. Allele origin: germline. Not counted in ClinVar's aggregate classification.

Institute of Human Genetics, University Medical Center Hamburg-Eppendorf
Classification: Pathogenic for Marfan syndrome. Last evaluated: 2018-11-20. Review status: criteria provided, single submitter. Criteria: ACMG Guidelines, 2015. Collection method: clinical testing. Allele origin: unknown. Inheritance: Autosomal dominant inheritance. Affected: yes. Not counted in ClinVar's aggregate classification.

Fulgent Genetics
Classification: Pathogenic for Acromicric dysplasia; Ectopia lentis 1, isolated, autosomal dominant; Marfan syndrome; Stiff skin syndrome; MASS syndrome; Weill-Marchesani syndrome 2, dominant; Geleophysic dysplasia 2; Progeroid and marfanoid aspect-lipodystrophy syndrome. Last evaluated: 2018-10-31. Review status: criteria provided, single submitter. Criteria: ACMG Guidelines, 2015. Collection method: clinical testing. Allele origin: unknown. Not counted in ClinVar's aggregate classification.

Clinical Genetics and Genomics, Karolinska University Hospital
Classification: Likely pathogenic. Last evaluated: 2017-03-22. Review status: criteria provided, single submitter. Criteria: ACMG Guidelines, 2015. Collection method: clinical testing. Allele origin: germline. Affected: yes. Observed: 2 variant alleles. Not counted in ClinVar's aggregate classification.

Center for Human Genetics, Inc
Classification: Likely pathogenic for Marfan syndrome. Last evaluated: 2016-11-01. Review status: criteria provided, single submitter. Criteria: ACMG Guidelines, 2015. Collection method: clinical testing. Allele origin: germline. Affected: yes. Not counted in ClinVar's aggregate classification.

Center for Medical Genetics Ghent, University of Ghent
Classification: Likely pathogenic for Marfan syndrome. Last evaluated: 2017-11-07. Review status: no assertion criteria provided. Collection method: clinical testing. Allele origin: germline. Affected: yes. Not counted in ClinVar's aggregate classification.

Literature cited by the submitters: PubMed 10533071 (cited by 5 submitters); PubMed 29510914 (cited by 3 submitters); PubMed 28847661 (cited by Women's Health and Genetics/Laboratory Corporation of America, LabCorp); PubMed 30675029 (cited by 5 submitters); PubMed 34916231 (cited by Women's Health and Genetics/Laboratory Corporation of America, LabCorp and Mayo Clinic Laboratories, Mayo Clinic); PubMed 32730690 (cited by 4 submitters); PubMed 38190127 (cited by 3 submitters); PubMed 37042257 (cited by Women's Health and Genetics/Laboratory Corporation of America, LabCorp and Ambry Genetics); PubMed 19370756 (cited by Mayo Clinic Laboratories, Mayo Clinic and Ambry Genetics); PubMed 20886638 (cited by Mayo Clinic Laboratories, Mayo Clinic and Ambry Genetics); PubMed 17576681 (cited by Labcorp Genetics (formerly Invitae), Labcorp); PubMed 9536098 (cited by Labcorp Genetics (formerly Invitae), Labcorp); PubMed 11175294 (cited by Ambry Genetics); PubMed 24941995 (cited by Ambry Genetics); PubMed 32123317 (cited by Ambry Genetics); PubMed 37460677 (cited by Ambry Genetics); PubMed 3212331 (cited by Color Diagnostics, LLC DBA Color Health); PubMed 34135346 (cited by Color Diagnostics, LLC DBA Color Health).